The following is an entry in ClinVar:

ClinVar aggregate classification (germline): Uncertain significance. Review status: criteria provided, multiple submitters, no conflicts (2 of 4 stars). 2 submissions from 2 submitters: Uncertain significance (2). Last evaluated 2022-03-04.

Allele frequency attached by ClinVar (database versions not stated): gnomAD exomes below 0.00001; TOPMed below 0.00001; ExAC 0.00001.
gnomAD v4.1: 4 of 1,614,228 alleles (0.00025%); highest among the groups gnomAD compares: Non-Finnish European, 0.00034%; no homozygotes.

Submissions (2):

Labcorp Genetics (formerly Invitae), Labcorp
Classification: Uncertain significance. Last evaluated: 2022-03-04. Review status: criteria provided, single submitter. Criteria: Invitae Variant Classification Sherloc (09022015). Collection method: clinical testing. Allele origin: germline.
Comment: This sequence change replaces threonine, which is neutral and polar, with isoleucine, which is neutral and non-polar, at codon 200 of the ARHGEF18 protein (p.Thr200Ile). This variant is present in population databases (rs759265496, gnomAD 0.002%). This variant has not been reported in the literature in individuals affected with ARHGEF18-related conditions. Algorithms developed to predict the effect of missense changes on protein structure and function (SIFT, PolyPhen-2, Align-GVGD) all suggest that this variant is likely to be tolerated. In summary, the available evidence is currently insufficient to determine the role of this variant in disease. Therefore, it has been classified as a Variant of Uncertain Significance.

Blueprint Genetics
Classification: Uncertain significance. Last evaluated: 2018-08-10. Review status: criteria provided, single submitter. Criteria: ACMG Guidelines, 2015. Collection method: clinical testing. Allele origin: germline.

NM_001367823.1(ARHGEF18):c.1163C>T (p.Thr388Ile)

Gene: ARHGEF18 (Rho/Rac guanine nucleotide exchange factor 18; plus strand). Cytogenetic location: 19p13.2.
Variant type: single nucleotide variant.
Coding change: c.1163C>T on transcript NM_001367823.1 (MANE Select); coding-DNA position 1163, C replaced by T.
Protein change: p.Thr388Ile; replaces threonine 388 with isoleucine.
Molecular consequence: missense variant.
Genome position (GRCh38, 1-based): chr19:7,441,709, C>T. VCF-style: chr19-7441709-C-T. GRCh37 (hg19) VCF-style: chr19-7506595-C-T.
Other names: c.437C>T, p.Thr146Ile (NM_001130955.2); c.125C>T, p.Thr42Ile (NM_001367824.1, NM_015318.4); short protein forms T388I, T146I, T42I.
Identifiers: ClinVar variation 1956188 (VCV001956188.3), dbSNP rs759265496, ClinGen allele CA9136363.